The following is an entry in ClinVar:

ClinVar aggregate classification (germline): Uncertain significance (1 of 4 stars; one submission).

Submission:

Labcorp Genetics (formerly Invitae), Labcorp
Classification: Uncertain significance. Last evaluated: 2022-09-23. Review status: criteria provided, single submitter. Criteria: Invitae Variant Classification Sherloc (09022015). Collection method: clinical testing. Allele origin: germline.
Comment: In summary, the available evidence is currently insufficient to determine the role of this variant in disease. Therefore, it has been classified as a Variant of Uncertain Significance. This sequence change replaces proline, which is neutral and non-polar, with serine, which is neutral and polar, at codon 122 of the GATA5 protein (p.Pro122Ser). This variant is not present in population databases (gnomAD no frequency). This variant has not been reported in the literature in individuals affected with GATA5-related conditions. Advanced modeling of protein sequence and biophysical properties (such as structural, functional, and spatial information, amino acid conservation, physicochemical variation, residue mobility, and thermodynamic stability) performed at Invitae indicates that this missense variant is not expected to disrupt GATA5 protein function.

NM_080473.5(GATA5):c.364C>T (p.Pro122Ser)

Gene: GATA5 (GATA binding protein 5; minus strand). Cytogenetic location: 20q13.33.
Variant type: single nucleotide variant.
Coding change: c.364C>T on transcript NM_080473.5 (MANE Select); coding-DNA position 364, C replaced by T.
Protein change: p.Pro122Ser; replaces proline 122 with serine.
Molecular consequence: missense variant.
Genome position (GRCh38, 1-based): chr20:62,475,158, G>A on the plus strand (C>T on the coding strand, the complement: GATA5 is on the minus strand). VCF-style: chr20-62475158-G-A. GRCh37 (hg19) VCF-style: chr20-61050214-G-A.
Other names: short protein forms P122S.
Identifiers: ClinVar variation 1720142 (VCV001720142.5), dbSNP rs2516446790, ClinGen allele CA409556555.
Genomic context (GRCh38, chr20:62,475,158, plus strand): 5'-AGGTGGCGGAGTACGAGGTCCCCACCGGCCGCCCAAGCGGGGCCGCGAACTGTTCTCGAG[G>A]CAACAGCGCGCCCTGGTAGGCACTGCCGTCTCGGCCCCCCGCGCTGCCGCCGCTGCCGGG-3'
Protein context (NP_536721.1, residues 112-132): DGSAYQGALL[Pro122Ser]REQFAAPLGR